The following is an entry in ClinVar:

ClinVar aggregate classification (germline): Uncertain significance (1 of 4 stars; one submission).

Submission:

Laboratory for Molecular Medicine, Mass General Brigham Personalized Medicine
Classification: Uncertain significance. Last evaluated: 2012-06-13. Review status: criteria provided, single submitter. Criteria: LMM Criteria. Collection method: clinical testing. Allele origin: germline. Observed: 1 variant allele.
Comment: Variant classified as Uncertain Significance - Favor Pathogenic. The Gln477Lys v ariant in SOS1 has not been reported in the literature nor previously identified by our laboratory. However, two other changes at this position (Gln477Arg and G ln477His) have been reported in individuals with Noonan syndrome (Longoni 2012, Lepri 2011, Zenker 2007). The Gln477Arg variant was shown to occur de novo in on e proband (Longoni 2012) while the Gln477His was identified in two probands, but neither had parental testing (Lepri 2011). Another individual was shown to be a compound heterozygote (Gln477His+ Pro478Leu) with both variants in cis and occu rring de novo (Zenker 2007). Computational analyses (biochemical amino acid prop erties, conservation, AlignGVGD, PolyPhen2, and SIFT) suggest that the Gln477Lys variant may not impact the protein, though this information is not predictive e nough to rule out pathogenicity. Although these data suggest the Gln477Lys vari ant may be associated with disease, additional information such as segregation s tudies and functional analyses are needed to fully assess its clinical significa nce.

Literature cited by the submitters: PubMed 20683980; PubMed 17586837; PubMed 21387466.

NM_005633.4(SOS1):c.1429C>A (p.Gln477Lys)

Gene: SOS1 (SOS Ras/Rac guanine nucleotide exchange factor 1; minus strand). Cytogenetic location: 2p22.1.
Variant type: single nucleotide variant.
Coding change: c.1429C>A on transcript NM_005633.4 (MANE Select); coding-DNA position 1429, C replaced by A.
Protein change: p.Gln477Lys; replaces glutamine 477 with lysine.
Molecular consequence: missense variant.
Genome position (GRCh38, 1-based): chr2:39,022,999, G>T on the plus strand (C>A on the coding strand, the complement: SOS1 is on the minus strand). VCF-style: chr2-39022999-G-T. GRCh37 (hg19) VCF-style: chr2-39250140-G-T.
Other names: c.1408C>A, p.Gln470Lys (NM_001382394.1); c.1429C>A, p.Gln477Lys (NM_001382395.1); short protein forms Q477K, Q470K.
Identifiers: ClinVar variation 45347 (VCV000045347.5), dbSNP rs397517152, ClinGen allele CA136080.